The following is an entry in ClinVar:

ClinVar aggregate classification (germline): Likely benign (1 of 4 stars; one submission).

Submission:

CeGaT Center for Human Genetics Tuebingen
Classification: Likely benign. Last evaluated: 2026-04-01. Review status: criteria provided, single submitter. Criteria: CeGaT Center For Human Genetics Tuebingen Variant Classification Criteria Version 2. Collection method: clinical testing. Allele origin: germline. Affected: yes. Observed: 1 variant allele.
Comment: FBN1: PM2:Supporting, BP4, BP7

NM_000138.5(FBN1):c.4395T>A (p.Pro1465=)

Gene: FBN1 (fibrillin 1; minus strand). Cytogenetic location: 15q21.1.
Variant type: single nucleotide variant.
Coding change: c.4395T>A on transcript NM_000138.5 (MANE Select); coding-DNA position 4395, T replaced by A.
Protein change: p.Pro1465=; no amino-acid change (proline 1465 retained).
Molecular consequence: synonymous variant.
Genome position (GRCh38, 1-based): chr15:48,470,698, A>T on the plus strand (T>A on the coding strand, the complement: FBN1 is on the minus strand). VCF-style: chr15-48470698-A-T. GRCh37 (hg19) VCF-style: chr15-48762895-A-T.
Other names: c.4395T>A, p.Pro1465= (NM_001406716.1).
Identifiers: ClinVar variation 4874746 (VCV004874746.2).
Genomic context (GRCh38, chr15:48,470,698, plus strand): 5'-GCAGTTCCCGCCGCTTCTGTCCAGTTCGTAGCCTATCTCACACTCACAGCGGAACAGGCC[A>T]GGGAGGTTGTGGCAAGTTCCAAAGACACAGATGTTCGGAAGGGAGCACTCATCAATATCT-3'
Protein context (NP_000129.3, residues 1455-1475): ICVFGTCHNL[Pro1465=]GLFRCECEIG